The following is an entry in ClinVar:

ClinVar aggregate classification (germline): Uncertain significance. Review status: criteria provided, multiple submitters, no conflicts (2 of 4 stars). 2 submissions from 2 submitters: Uncertain significance (2). Last evaluated 2025-10-16.

Conditions:
Cardiovascular phenotype. Identifiers: MedGen CN230736.
Hereditary cancer-predisposing syndrome. Also called: Tumor predisposition; Hereditary Cancer Syndrome; Hereditary neoplastic syndrome; Neoplastic Syndromes, Hereditary. Identifiers: Orphanet 140162, MedGen C0027672, MeSH D009386, MONDO:0015356.

gnomAD v4.1: 4 of 1,612,930 alleles (0.00025%); highest among the groups gnomAD compares: East Asian, 0.0067%; no homozygotes.

Submissions (2):

Ambry Genetics
Classification: Uncertain significance for Cardiovascular phenotype; Hereditary cancer-predisposing syndrome. Last evaluated: 2025-10-16. Review status: criteria provided, single submitter. Criteria: Ambry Variant Classification Scheme 2023. Collection method: clinical testing. Allele origin: germline.
Comment: The p.V332A variant (also known as c.995T>C), located in coding exon 10 of the LZTR1 gene, results from a T to C substitution at nucleotide position 995. The valine at codon 332 is replaced by alanine, an amino acid with similar properties. This amino acid position is conserved. In addition, this alteration is predicted to be tolerated by in silico analysis. Based on the available evidence, the clinical significance of this variant remains unclear.

Labcorp Genetics (formerly Invitae), Labcorp
Classification: Uncertain significance. Last evaluated: 2025-01-28. Review status: criteria provided, single submitter. Criteria: Invitae Variant Classification Sherloc (09022015). Collection method: clinical testing. Allele origin: germline.
Comment: This sequence change replaces valine, which is neutral and non-polar, with alanine, which is neutral and non-polar, at codon 332 of the LZTR1 protein (p.Val332Ala). This variant is present in population databases (no rsID available, gnomAD 0.01%). This variant has not been reported in the literature in individuals affected with LZTR1-related conditions. An algorithm developed to predict the effect of missense changes on protein structure and function (PolyPhen-2) suggests that this variant is likely to be tolerated. In summary, the available evidence is currently insufficient to determine the role of this variant in disease. Therefore, it has been classified as a Variant of Uncertain Significance.

NM_006767.4(LZTR1):c.995T>C (p.Val332Ala)

Gene: LZTR1 (leucine zipper like post translational regulator 1; plus strand). Cytogenetic location: 22q11.21.
Variant type: single nucleotide variant.
Coding change: c.995T>C on transcript NM_006767.4 (MANE Select); coding-DNA position 995, T replaced by C.
Protein change: p.Val332Ala; replaces valine 332 with alanine.
Molecular consequence: missense variant.
Genome position (GRCh38, 1-based): chr22:20,992,215, T>C. VCF-style: chr22-20992215-T-C. GRCh37 (hg19) VCF-style: chr22-21346504-T-C.
Other names: c.995T>C (NM_006767.3); short protein forms V332A.
Identifiers: ClinVar variation 3730498 (VCV003730498.3).